The following is an entry in ClinVar:

NM_000465.4(BARD1):c.1499A>C (p.Asp500Ala)

Gene: BARD1 (BRCA1 associated RING domain 1; minus strand). Cytogenetic location: 2q35.
Variant type: single nucleotide variant.
Coding change: c.1499A>C on transcript NM_000465.4 (MANE Select); coding-DNA position 1499, A replaced by C.
Protein change: p.Asp500Ala; replaces aspartic acid 500 with alanine.
Molecular consequence: missense variant. On other transcripts: non-coding transcript variant (3), intron variant (3).
Genome position (GRCh38, 1-based): chr2:214,767,551, T>G on the plus strand (A>C on the coding strand, the complement: BARD1 is on the minus strand). VCF-style: chr2-214767551-T-G. GRCh37 (hg19) VCF-style: chr2-215632275-T-G.
Other names: c.1442A>C, p.Asp481Ala (NM_001282543.2); c.159-14996A>C (NM_001282548.2); c.216-14996A>C (NM_001282545.2); c.364+24746A>C (NM_001282549.2); short protein forms D500A, D481A.
Identifiers: ClinVar variation 819385 (VCV000819385.6), dbSNP rs878854001, ClinGen allele CA350448357.

ClinVar aggregate classification (germline): Uncertain significance (1 of 4 stars; one submission).

Conditions:
Hereditary cancer-predisposing syndrome. Also called: Tumor predisposition; Hereditary neoplastic syndrome; Neoplastic Syndromes, Hereditary; Hereditary Cancer Syndrome. Identifiers: Orphanet 140162, MedGen C0027672, MeSH D009386, MONDO:0015356.

Allele frequency attached by ClinVar (database versions not stated): gnomAD exomes below 0.00001.
gnomAD v4.1: 2 of 1,614,098 alleles (0.00012%); highest among the groups gnomAD compares: Non-Finnish European, 0.00017%; no homozygotes.

Submission:

Ambry Genetics
Classification: Uncertain significance for Hereditary cancer-predisposing syndrome. Last evaluated: 2025-03-28. Review status: criteria provided, single submitter. Criteria: Ambry Variant Classification Scheme 2023. Collection method: clinical testing. Allele origin: germline.
Comment: The p.D500A variant (also known as c.1499A>C), located in coding exon 6 of the BARD1 gene, results from an A to C substitution at nucleotide position 1499. The aspartic acid at codon 500 is replaced by alanine, an amino acid with dissimilar properties. This amino acid position is highly conserved in available vertebrate species. In addition, this alteration is predicted to be deleterious by in silico analysis. Based on the available evidence, the clinical significance of this variant remains unclear.